The following is an entry in ClinVar:

NM_015272.5(RPGRIP1L):c.1421del (p.Asn474fs)

Gene: RPGRIP1L (RPGRIP1 like; minus strand). Cytogenetic location: 16q12.2.
Variant type: Deletion.
Coding change: c.1421del on transcript NM_015272.5 (MANE Select); coding-DNA position 1421, one base deleted (A; older notation c.1421delA).
Protein change: p.Asn474fs; shifts the reading frame from asparagine 474.
Molecular consequence: frameshift variant.
Genome position (GRCh38, 1-based): chr16:53,657,613, T deleted on the plus strand (A on the coding strand, the reverse complement: RPGRIP1L is on the minus strand); the first of 7 consecutive T bases (chr16:53,657,613-53,657,619); deleting any one gives the same sequence. VCF-style (leftmost placement, unchanged base first): chr16-53657612-AT-A. GRCh37 (hg19) VCF-style: chr16-53691524-AT-A.
Other names: c.1421del (NM_015272.2); c.1421delA (NM_015272.5, NM_015272.4); c.1421del, p.Asn474fs (NM_001127897.4, NM_001308334.3, NM_001330538.2); short protein forms N474fs.
Identifiers: ClinVar variation 265300 (VCV000265300.16), dbSNP rs760952407, ClinGen allele CA8057795.

ClinVar aggregate classification (germline): Pathogenic/Likely pathogenic. Review status: criteria provided, multiple submitters, no conflicts (2 of 4 stars). 5 submissions from 5 submitters: Pathogenic (4); Likely pathogenic (1). Last evaluated 2025-05-28.

Conditions:
Joubert syndrome. Also called: JOUBERT-BOLTSHAUSER SYNDROME; Familial aplasia of the vermis. Identifiers: Orphanet 475, MedGen C5979921, MONDO:0018772.
Joubert syndrome 7 (JBTS7). Identifiers: Orphanet 220497, MedGen C1969053, MONDO:0012694, OMIM 611560.
Meckel syndrome, type 5 (MKS5). Identifiers: Orphanet 564, MedGen C1969052, MONDO:0012695, OMIM 611561.
COACH syndrome 3. Identifiers: MedGen C5436841, MONDO:0030862, OMIM 619113.
Autosomal recessive RPGRIP1L-related disorders.
Meckel-Gruber syndrome. Also called: DYSENCEPHALIA SPLANCHNOCYSTICA; GRUBER SYNDROME; Dysencephalia splachnocystica. Identifiers: Orphanet 564, MedGen C0265215, MONDO:0018921.

Submissions (5):

Variantyx, Inc.
Classification: Pathogenic for Autosomal recessive RPGRIP1L-related disorders. Last evaluated: 2025-05-28. Review status: criteria provided, single submitter. Criteria: Variantyx Assertion Criteria 2022. Collection method: clinical testing. Allele origin: germline. Inheritance: Autosomal recessive inheritance. Affected: yes.
Comment: This is a frameshift variant in the RPGRIP1L gene (OMIM: 610937). Pathogenic variants in this gene have been associated with autosomal recessive RPGRIP1L-related disorders. This variant introduces a premature termination codon in exon 13 out of 27 and is expected to result in loss of function, which is a known disease mechanism for RPGRIP1L in these disorders (PMID: 31964843) (PVS1). It has a 0.0022% maximum allele frequency in non-founder control populations (PM2). Based on the current evidence, this variant is classified as pathogenic for autosomal recessive RPGRIP1L-related disorders.

Natera, Inc.
Classification: Pathogenic for Joubert syndrome. Last evaluated: 2024-12-10. Review status: criteria provided, single submitter. Criteria: Natera Variant Classification Schema (03/2026). Collection method: clinical testing. Allele origin: germline.
Comment: The c.1421delA variant in RPGRIP1L is a frameshift variant predicted to shift the reading frame beginning at codon 474 and leads to a stop codon 7 codons downstream. This variant is expected to result in nonsense mediated decay, truncation, or a dysfunctional protein product. This variant is rare in the general population with a frequency below the threshold expected for the associated phenotype(s). This variant has been observed in one or more individuals affected with the associated recessive disease, as either homozygous or compound heterozygous with a second variant (PMID: 33255631). Given the available evidence, this variant is classified as Pathogenic.

Labcorp Genetics (formerly Invitae), Labcorp
Classification: Pathogenic for Joubert syndrome; Meckel-Gruber syndrome. Last evaluated: 2024-11-18. Review status: criteria provided, single submitter. Criteria: Invitae Variant Classification Sherloc (09022015). Collection method: clinical testing. Allele origin: germline.
Comment: This sequence change creates a premature translational stop signal (p.Asn474Metfs*7) in the RPGRIP1L gene. It is expected to result in an absent or disrupted protein product. Loss-of-function variants in RPGRIP1L are known to be pathogenic (PMID: 17558409). The frequency data for this variant in the population databases is considered unreliable, as metrics indicate poor data quality at this position in the gnomAD database. This variant has not been reported in the literature in individuals affected with RPGRIP1L-related conditions. ClinVar contains an entry for this variant (Variation ID: 265300). For these reasons, this variant has been classified as Pathogenic.

GeneDx
Classification: Likely pathogenic. Last evaluated: 2021-11-29. Review status: criteria provided, single submitter. Criteria: GeneDx Variant Classification Process June 2021. Collection method: clinical testing. Allele origin: germline. Affected: yes.
Comment: Frameshift variant predicted to result in protein truncation or nonsense mediated decay in a gene for which loss-of-function is a known mechanism of disease; Not observed at significant frequency in large population cohorts (Lek et al., 2016); Has not been previously published as pathogenic or benign to our knowledge

Juno Genomics, Hangzhou Juno Genomics, Inc
Classification: Pathogenic for COACH syndrome 3; Joubert syndrome 7; Meckel syndrome, type 5. Review status: criteria provided, single submitter. Criteria: ACMG Guidelines, 2015. Collection method: clinical testing. Allele origin: germline. Affected: yes.
Comment: Absent from controls (or at extremely low frequency if recessive) in Genome Aggregation Database, Exome Sequencing Project, 1000 Genomes Project, or Exome Aggregation Consortium.;Null variant in a gene where loss of function (LOF) is a known mechanism of disease.;For recessive disorders, detected in trans with a pathogenic variant.

Literature cited by the submitters: PubMed 31964843 (cited by Variantyx, Inc.); PubMed 33255631 (cited by Natera, Inc.); PubMed 17558409 (cited by Labcorp Genetics (formerly Invitae), Labcorp).